The following is an entry in ClinVar:

NM_001170629.2(CHD8):c.851C>T (p.Ser284Leu)

Gene: CHD8 (chromodomain helicase DNA binding protein 8; minus strand). Cytogenetic location: 14q11.2.
Variant type: single nucleotide variant.
Coding change: c.851C>T on transcript NM_001170629.2 (MANE Select); coding-DNA position 851, C replaced by T.
Protein change: p.Ser284Leu; replaces serine 284 with leucine.
Molecular consequence: missense variant.
Genome position (GRCh38, 1-based): chr14:21,429,328, G>A on the plus strand (C>T on the coding strand, the complement: CHD8 is on the minus strand). VCF-style: chr14-21429328-G-A. GRCh37 (hg19) VCF-style: chr14-21897487-G-A.
Other names: c.851C>T (NM_001170629.1); c.14C>T, p.Ser5Leu (NM_020920.4); short protein forms S284L, S5L.
Identifiers: ClinVar variation 2730406 (VCV002730406.4), dbSNP rs1448310797, ClinGen allele CA388885791.

ClinVar aggregate classification (germline): Uncertain significance. Review status: criteria provided, multiple submitters, no conflicts (2 of 4 stars). 2 submissions from 2 submitters: Uncertain significance (2). Last evaluated 2025-08-03.

Conditions:
Inborn genetic diseases. Identifiers: MedGen C0950123, MeSH D030342.

Allele frequency attached by ClinVar (database versions not stated): gnomAD exomes below 0.00001; TOPMed 0.00001.
gnomAD v4.1: 2 of 1,602,474 alleles (0.00012%); highest among the groups gnomAD compares: Admixed American, 0.0017%; no homozygotes.

Submissions (2):

Ambry Genetics
Classification: Uncertain significance for Inborn genetic diseases. Last evaluated: 2025-08-03. Review status: criteria provided, single submitter. Criteria: Ambry Variant Classification Scheme 2023. Collection method: clinical testing. Allele origin: germline.

Labcorp Genetics (formerly Invitae), Labcorp
Classification: Uncertain significance. Last evaluated: 2022-11-23. Review status: criteria provided, single submitter. Criteria: Invitae Variant Classification Sherloc (09022015). Collection method: clinical testing. Allele origin: germline.
Comment: Algorithms developed to predict the effect of missense changes on protein structure and function (SIFT, PolyPhen-2, Align-GVGD) all suggest that this variant is likely to be tolerated. This variant has not been reported in the literature in individuals affected with CHD8-related conditions. This variant is present in population databases (no rsID available, gnomAD 0.0009%). This sequence change replaces serine, which is neutral and polar, with leucine, which is neutral and non-polar, at codon 284 of the CHD8 protein (p.Ser284Leu). In summary, the available evidence is currently insufficient to determine the role of this variant in disease. Therefore, it has been classified as a Variant of Uncertain Significance.